The following is an entry in ClinVar:

ClinVar aggregate classification (germline): Pathogenic (1 of 4 stars; one submission).

Conditions:
Tyrosinase-positive oculocutaneous albinism (OCA2). Also called: ALBINISM II; Oculocutaneous albinism type 2; Albinism, oculocutaneous, type II. Identifiers: Orphanet 79432, MedGen C0268495, MONDO:0008746, OMIM 203200.

Submission:

Myriad Genetics, Inc.
Classification: Pathogenic for Tyrosinase-positive oculocutaneous albinism. Last evaluated: 2026-06-09. Review status: criteria provided, single submitter. Criteria: Myriad Autosomal Dominant, Autosomal Recessive and X-Linked Classification Criteria (2023). Collection method: clinical testing. Allele origin: unknown.
Comment: NM_000275.2(OCA2):c.2038delG(A680Qfs*12) is expected to be pathogenic in the context of oculocutaneous albinism, OCA2-related. This variant is predicted to lead to an abnormal or absent protein product due to the creation of a premature termination codon in OCA2, a gene where loss-of-function variants are known to be pathogenic. Please note: this variant was assessed in the context of healthy population screening.

NM_000275.3(OCA2):c.2038del (p.Ala680fs)

Gene: OCA2 (OCA2 melanosomal transmembrane protein; minus strand). Cytogenetic location: 15q13.1.
Variant type: Deletion.
Coding change: c.2038del on transcript NM_000275.3 (MANE Select); coding-DNA position 2038, one base deleted (G; older notation c.2038delG).
Protein change: p.Ala680fs; shifts the reading frame from alanine 680.
Molecular consequence: frameshift variant.
Genome position (GRCh38, 1-based): chr15:27,926,168, C deleted on the plus strand (G on the coding strand, the reverse complement: OCA2 is on the minus strand); the first of 3 consecutive C bases (chr15:27,926,168-27,926,170); deleting any one gives the same sequence. VCF-style (leftmost placement, unchanged base first): chr15-27926167-GC-G. GRCh37 (hg19) VCF-style: chr15-28171313-GC-G.
Other names: c.1966del, p.Ala656fs (NM_001300984.2); short protein forms A656fs, A680fs.
Identifiers: ClinVar variation 5016015 (VCV005016015.1).